The following is an entry in ClinVar:

ClinVar aggregate classification (germline): Conflicting classifications of pathogenicity. Review status: criteria provided, conflicting classifications (1 of 4 stars). 2 submissions from 2 submitters: Uncertain significance (1); Likely benign (1). Last evaluated 2025-07-23.

Conditions:
DICER1-related tumor predisposition. Also called: DICER1 syndrome; DICER1-related pleuropulmonary blastoma cancer predisposition syndrome. Identifiers: Orphanet 284343, MedGen C3839822, MONDO:0100216.
Hereditary cancer-predisposing syndrome. Also called: Neoplastic Syndromes, Hereditary; Hereditary neoplastic syndrome; Tumor predisposition; Hereditary Cancer Syndrome. Identifiers: Orphanet 140162, MedGen C0027672, MeSH D009386, MONDO:0015356.

Allele frequency attached by ClinVar (database versions not stated): gnomAD exomes below 0.00001; gnomAD 0.00001; 1000 Genomes Project 30x 0.00031.
gnomAD v4.1: 5 of 1,614,060 alleles (0.00031%); highest among the groups gnomAD compares: African/African-American, 0.0013%; no homozygotes.

Submissions (2):

Labcorp Genetics (formerly Invitae), Labcorp
Classification: Uncertain significance for DICER1-related tumor predisposition. Last evaluated: 2025-07-23. Review status: criteria provided, single submitter. Criteria: Invitae Variant Classification Sherloc (09022015). Collection method: clinical testing. Allele origin: germline.
Comment: This sequence change replaces asparagine, which is neutral and polar, with serine, which is neutral and polar, at codon 408 of the DICER1 protein (p.Asn408Ser). This variant is not present in population databases (gnomAD no frequency). This variant has not been reported in the literature in individuals affected with DICER1-related conditions. ClinVar contains an entry for this variant (Variation ID: 841577). Invitae Evidence Modeling of protein sequence and biophysical properties (such as structural, functional, and spatial information, amino acid conservation, physicochemical variation, residue mobility, and thermodynamic stability) indicates that this missense variant is not expected to disrupt DICER1 protein function with a negative predictive value of 95%. In summary, the available evidence is currently insufficient to determine the role of this variant in disease. Therefore, it has been classified as a Variant of Uncertain Significance.

Ambry Genetics
Classification: Likely benign for Hereditary cancer-predisposing syndrome. Last evaluated: 2025-05-14. Review status: criteria provided, single submitter. Criteria: Ambry Variant Classification Scheme 2023. Collection method: clinical testing. Allele origin: germline.

NM_177438.3(DICER1):c.1223A>G (p.Asn408Ser)

Gene: DICER1 (dicer 1, ribonuclease III; minus strand). Cytogenetic location: 14q32.13.
Variant type: single nucleotide variant.
Coding change: c.1223A>G on transcript NM_177438.3 (MANE Select); coding-DNA position 1223, A replaced by G.
Protein change: p.Asn408Ser; replaces asparagine 408 with serine.
Molecular consequence: missense variant.
Genome position (GRCh38, 1-based): chr14:95,124,349, T>C on the plus strand (A>G on the coding strand, the complement: DICER1 is on the minus strand). VCF-style: chr14-95124349-T-C. GRCh37 (hg19) VCF-style: chr14-95590686-T-C.
Other names: c.1223A>G, p.Asn408Ser (NM_001195573.1, NM_001271282.3, NM_001291628.2 and 1 more transcripts); short protein forms N408S.
Identifiers: ClinVar variation 841577 (VCV000841577.14), dbSNP rs1893203328, ClinGen allele CA390886626.
Genomic context (GRCh38, chr14:95,124,349, plus strand): 5'-TCTTTTTCTTCAATTTCTTCATCCTCATCATCATCCTCAGAATCACTCCATGACACATAA[T>C]TATCCTGATTTCTATTATTATACCACTCAACGCTTTCAAACTGCTGTCGCTCATATGGTT-3'
Protein context (NP_803187.1, residues 398-418): VEWYNNRNQD[Asn408Ser]YVSWSDSEDD